The following is an entry in ClinVar:

NM_004973.4(JARID2):c.1848G>A (p.Lys616=)

Gene: JARID2 (jumonji and AT-rich interaction domain containing 2; plus strand). Cytogenetic location: 6p22.3.
Variant type: single nucleotide variant.
Coding change: c.1848G>A on transcript NM_004973.4 (MANE Select); coding-DNA position 1848, G replaced by A.
Protein change: p.Lys616=; no amino-acid change (lysine 616 retained).
Molecular consequence: synonymous variant.
Genome position (GRCh38, 1-based): chr6:15,497,073, G>A. VCF-style: chr6-15497073-G-A. GRCh37 (hg19) VCF-style: chr6-15497304-G-A.
Other names: c.1332G>A, p.Lys444= (NM_001267040.1).
Identifiers: ClinVar variation 713809 (VCV000713809.28), dbSNP rs748623220, ClinGen allele CA3643004.

ClinVar aggregate classification (germline): Likely benign. Review status: criteria provided, multiple submitters, no conflicts (2 of 4 stars). 3 submissions from 3 submitters: Likely benign (3). Last evaluated 2024-11-18.

Allele frequency attached by ClinVar (database versions not stated): gnomAD 0.00002 and 0.00004; TOPMed 0.00005; gnomAD exomes 0.00009 and 0.00013; ExAC 0.00020.
gnomAD v4.1: 154 of 1,600,318 alleles (0.0096%); highest among the groups gnomAD compares: Middle Eastern, 0.15%; 2 homozygotes.

Submissions (3):

Blueprint Genetics
Classification: Likely benign. Last evaluated: 2024-11-18. Review status: criteria provided, single submitter. Criteria: ACMG Guidelines, 2015. Collection method: clinical testing. Allele origin: germline.

CeGaT Center for Human Genetics Tuebingen
Classification: Likely benign. Last evaluated: 2023-08-01. Review status: criteria provided, single submitter. Criteria: CeGaT Center For Human Genetics Tuebingen Variant Classification Criteria Version 2. Collection method: clinical testing. Allele origin: germline. Affected: yes. Observed: 1 variant allele.
Comment: JARID2: BP4, BS2

Labcorp Genetics (formerly Invitae), Labcorp
Classification: Likely benign. Last evaluated: 2018-04-13. Review status: criteria provided, single submitter. Criteria: Invitae Variant Classification Sherloc (09022015). Collection method: clinical testing. Allele origin: germline.